The following is an entry in ClinVar:

NM_022168.4(IFIH1):c.2039T>G (p.Phe680Cys)

Gene: IFIH1 (interferon induced with helicase C domain 1; minus strand). Cytogenetic location: 2q24.2.
Variant type: single nucleotide variant.
Coding change: c.2039T>G on transcript NM_022168.4 (MANE Select); coding-DNA position 2039, T replaced by G.
Protein change: p.Phe680Cys; replaces phenylalanine 680 with cysteine.
Molecular consequence: missense variant.
Genome position (GRCh38, 1-based): chr2:162,277,420, A>C on the plus strand (T>G on the coding strand, the complement: IFIH1 is on the minus strand). VCF-style: chr2-162277420-A-C. GRCh37 (hg19) VCF-style: chr2-163133930-A-C.
Other names: short protein forms F680C.
Identifiers: ClinVar variation 4789312 (VCV004789312.1).

ClinVar aggregate classification (germline): Uncertain significance (1 of 4 stars; one submission).

Conditions:
Singleton-Merten syndrome 1 (SGMRT1). Also called: Widened medullary cavities of bone, aortic calcification, abnormal dentition, and muscular weakness; Syndrome of widened medullary cavities of the metacarpals and phalanges, aortic calcification and abnormal dentition. Identifiers: Orphanet 85191, MedGen C4225427, MONDO:0024535, OMIM 182250.
Aicardi-Goutieres syndrome 7 (AGS7). Identifiers: Orphanet 51, MedGen C3888244, MONDO:0014367, OMIM 615846.

Submission:

Labcorp Genetics (formerly Invitae), Labcorp
Classification: Uncertain significance for Aicardi-Goutieres syndrome 7; Singleton-Merten syndrome 1. Last evaluated: 2025-10-10. Review status: criteria provided, single submitter. Criteria: Invitae Variant Classification Sherloc (09022015). Collection method: clinical testing. Allele origin: germline.
Comment: This sequence change replaces phenylalanine, which is neutral and non-polar, with cysteine, which is neutral and slightly polar, at codon 680 of the IFIH1 protein (p.Phe680Cys). This variant is not present in population databases (gnomAD no frequency). This variant has not been reported in the literature in individuals affected with IFIH1-related conditions. Invitae Evidence Modeling of protein sequence and biophysical properties (such as structural, functional, and spatial information, amino acid conservation, physicochemical variation, residue mobility, and thermodynamic stability) has been performed for this missense variant. However, the output from this modeling did not meet the statistical confidence thresholds required to predict the impact of this variant on IFIH1 protein function. In summary, the available evidence is currently insufficient to determine the role of this variant in disease. Therefore, it has been classified as a Variant of Uncertain Significance.